The following is an entry in ClinVar:

ClinVar aggregate classification (germline): Uncertain significance. Review status: criteria provided, single submitter (1 of 4 stars). 2 submissions from 2 submitters: Uncertain significance (1). 1 of the submissions does not count toward it. Last evaluated 2026-01-26.

Conditions:
Atrial conduction disease. Identifiers: Orphanet 436242, MedGen CN221670, MONDO:0014500.

Allele frequency attached by ClinVar (database versions not stated): gnomAD exomes below 0.00001; TOPMed below 0.00001; ExAC 0.00001.
gnomAD v4.1: 2 of 1,606,452 alleles (0.00012%); highest among the groups gnomAD compares: Non-Finnish European, 0.00017%; no homozygotes.

Submissions (2):

Labcorp Genetics (formerly Invitae), Labcorp
Classification: Uncertain significance. Last evaluated: 2026-01-26. Review status: criteria provided, single submitter. Criteria: Invitae Variant Classification Sherloc (09022015). Collection method: clinical testing. Allele origin: germline.
Comment: This sequence change affects a donor splice site in intron 4 of the TNNI3K gene. It is expected to disrupt RNA splicing. Variants that disrupt the donor or acceptor splice site typically lead to a loss of protein function (PMID: 16199547), however the current clinical and genetic evidence is not sufficient to establish whether loss-of-function variants in TNNI3K cause disease. This variant is present in population databases (rs762721434, gnomAD 0.0009%). Disruption of this splice site has been observed in individual(s) with clinical features of TNNI3K-related conditions (PMID: 29355681). ClinVar contains an entry for this variant (Variation ID: 590305). Studies have shown that disruption of this splice site does not significantly alter or has an unclear effect on TNNI3K gene expression (PMID: 29355681). Algorithms developed to predict the effect of sequence changes on RNA splicing suggest that this variant may disrupt the consensus splice site. In summary, the available evidence is currently insufficient to determine the role of this variant in disease. Therefore, it has been classified as a Variant of Uncertain Significance.

OMIM
Classification: Pathogenic for CARDIAC CONDUCTION DISEASE WITH OR WITHOUT CARDIOMYOPATHY 1. Last evaluated: 2025-10-01. Review status: no assertion criteria provided. Collection method: literature only. Allele origin: germline. Not counted in ClinVar's aggregate classification.

Literature cited by the submitters: PubMed 16199547 (cited by Labcorp Genetics (formerly Invitae), Labcorp); PubMed 29355681 (cited by Labcorp Genetics (formerly Invitae), Labcorp and OMIM).

NM_015978.3(TNNI3K):c.333+2T>C

Genes: FPGT-TNNI3K (FPGT-TNNI3K readthrough; plus strand), TNNI3K (TNNI3 interacting kinase; plus strand). Cytogenetic location: 1p31.1.
Variant type: single nucleotide variant.
Coding change: c.333+2T>C on transcript NM_015978.3 (MANE Select); the canonical splice donor site of the intron after coding-DNA position 333, T replaced by C.
Molecular consequence: splice donor variant.
Genome position (GRCh38, 1-based): chr1:74,250,771, T>C. VCF-style: chr1-74250771-T-C. GRCh37 (hg19) VCF-style: chr1-74716455-T-C.
Other names: c.636+2T>C (NM_001112808.3, NM_001199327.2).
Identifiers: ClinVar variation 590305 (VCV000590305.8), dbSNP rs762721434, ClinGen allele CA908852.